The following is an entry in ClinVar:

ClinVar aggregate classification (germline): Uncertain significance (1 of 4 stars; one submission).

Submission:

GeneDx
Classification: Uncertain significance. Last evaluated: 2019-06-29. Review status: criteria provided, single submitter. Criteria: GeneDx Variant Classification Process June 2021. Collection method: clinical testing. Allele origin: germline. Affected: yes.
Comment: Not observed in large population cohorts (Lek et al., 2016); In silico analysis, which includes protein predictors and evolutionary conservation, supports a deleterious effect; Has not been previously published as pathogenic or benign to our knowledge; Variants in candidate genes are classified as variants of uncertain significance in accordance with ACMG guidelines (Richards et al., 2015)

NM_001379291.1(BRD4):c.1526_1527delinsTA (p.Gln509Leu)

Gene: BRD4 (bromodomain containing 4; minus strand). Cytogenetic location: 19p13.12.
Variant type: Indel.
Coding change: c.1526_1527delinsTA on transcript NM_001379291.1 (MANE Select); coding-DNA positions 1526 to 1527, AG replaced by TA.
Protein change: p.Gln509Leu; replaces glutamine 509 with leucine.
Molecular consequence: missense variant.
Genome position (GRCh38, 1-based): chr19:15,256,988-15,256,989, CT replaced by TA on the plus strand (AG replaced by TA on the coding strand, the reverse complement: BRD4 is on the minus strand). VCF-style: chr19-15256988-CT-TA. GRCh37 (hg19) VCF-style: chr19-15367799-CT-TA.
Other names: c.1526_1527delinsTA, p.Gln509Leu (NM_001330384.2, NM_001379292.1, NM_014299.3 and 1 more transcripts); short protein forms Q509L.
Identifiers: ClinVar variation 1306585 (VCV001306585.2), dbSNP rs2145575627, ClinGen allele CA2573054737.